The following is an entry in ClinVar:

ClinVar aggregate classification (germline): Uncertain significance (1 of 4 stars; one submission).

Conditions:
UGT1A1-related disorder. Also called: UGT1A1-related disorders; UGT1A1-related condition.

gnomAD v4.1: 40 of 1,614,066 alleles (0.0025%); highest among the groups gnomAD compares: Admixed American, 0.0033%; no homozygotes.

Submission:

PreventionGenetics, part of Exact Sciences
Classification: Uncertain significance for UGT1A1-related condition. Last evaluated: 2025-02-11. Review status: criteria provided, single submitter. Criteria: ACMG Guidelines, 2015. Collection method: clinical testing. Allele origin: germline.
Comment: The UGT1A1 c.670G>A variant is predicted to result in the amino acid substitution p.Asp224Asn. To our knowledge, this variant has not been reported in the literature. This variant is reported in 0.0058% of alleles in individuals of Latino descent in gnomAD. At this time, the clinical significance of this variant is uncertain due to the absence of conclusive functional and genetic evidence.

NM_000463.3(UGT1A1):c.670G>A (p.Asp224Asn)

Genes: UGT1A (UDP glucuronosyltransferase family 1 member A complex locus; plus strand), UGT1A1 (UDP glucuronosyltransferase family 1 member A1; plus strand), UGT1A10 (UDP glucuronosyltransferase family 1 member A10; plus strand), UGT1A3 (UDP glucuronosyltransferase family 1 member A3; plus strand), UGT1A4 (UDP glucuronosyltransferase family 1 member A4; plus strand) and 5 more. Cytogenetic location: 2q37.1.
Variant type: single nucleotide variant.
Coding change: c.670G>A on transcript NM_000463.3 (MANE Select); coding-DNA position 670, G replaced by A.
Protein change: p.Asp224Asn; replaces aspartic acid 224 with asparagine.
Molecular consequence: missense variant. On other transcripts: intron variant (9).
Genome position (GRCh38, 1-based): chr2:233,760,957, G>A. VCF-style: chr2-233760957-G-A. GRCh37 (hg19) VCF-style: chr2-234669603-G-A.
Other names: c.856-6077G>A (NM_019076.5, NM_019075.4, NM_021027.3 and 1 more transcripts); c.61-6077G>A (NM_205862.3); c.862-6077G>A (NM_001072.4); c.868-6077G>A (NM_019078.2, NM_007120.3, NM_019093.4); short protein forms D224N.
Identifiers: ClinVar variation 4984953 (VCV004984953.1).
Genomic context (GRCh38, chr2:233,760,957, plus strand): 5'-ATGACCTTCCTGCAGCGGGTGAAGAACATGCTCATTGCCTTTTCACAGAACTTTCTGTGC[G>A]ACGTGGTTTATTCCCCGTATGCAACCCTTGCCTCAGAATTCCTTCAGAGAGAGGTGACTG-3'
Protein context (NP_000454.1, residues 214-234): LIAFSQNFLC[Asp224Asn]VVYSPYATLA